The following is an entry in ClinVar:

NM_002291.3(LAMB1):c.52C>G (p.Arg18Gly)

Gene: LAMB1 (laminin subunit beta 1; minus strand). Cytogenetic location: 7q31.1.
Variant type: single nucleotide variant.
Coding change: c.52C>G on transcript NM_002291.3 (MANE Select); coding-DNA position 52, C replaced by G.
Protein change: p.Arg18Gly; replaces arginine 18 with glycine.
Molecular consequence: missense variant.
Genome position (GRCh38, 1-based): chr7:108,001,719, G>C on the plus strand (C>G on the coding strand, the complement: LAMB1 is on the minus strand). VCF-style: chr7-108001719-G-C. GRCh37 (hg19) VCF-style: chr7-107642164-G-C.
Other names: short protein forms R18G.
Identifiers: ClinVar variation 3613799 (VCV003613799.2).

ClinVar aggregate classification (germline): Uncertain significance (1 of 4 stars; one submission).

gnomAD v4.1: 8 of 1,612,728 alleles (0.0005%); highest among the groups gnomAD compares: South Asian, 0.0066%; no homozygotes.

Submission:

Labcorp Genetics (formerly Invitae), Labcorp
Classification: Uncertain significance. Last evaluated: 2024-09-24. Review status: criteria provided, single submitter. Criteria: Invitae Variant Classification Sherloc (09022015). Collection method: clinical testing. Allele origin: germline.
Comment: This sequence change replaces arginine, which is basic and polar, with glycine, which is neutral and non-polar, at codon 18 of the LAMB1 protein (p.Arg18Gly). This variant is present in population databases (rs779118306, gnomAD 0.007%). This variant has not been reported in the literature in individuals affected with LAMB1-related conditions. An algorithm developed to predict the effect of missense changes on protein structure and function outputs the following: PolyPhen-2: "Benign". The glycine amino acid residue is found in multiple mammalian species, which suggests that this missense change does not adversely affect protein function. In summary, the available evidence is currently insufficient to determine the role of this variant in disease. Therefore, it has been classified as a Variant of Uncertain Significance.